The following is an entry in ClinVar:

NM_000282.4(PCCA):c.1175A>G (p.Asn392Ser)

Gene: PCCA (propionyl-CoA carboxylase subunit alpha; plus strand). Cytogenetic location: 13q32.3.
Variant type: single nucleotide variant.
Coding change: c.1175A>G on transcript NM_000282.4 (MANE Select); coding-DNA position 1175, A replaced by G.
Protein change: p.Asn392Ser; replaces asparagine 392 with serine.
Molecular consequence: missense variant. On other transcripts: non-coding transcript variant (5), intron variant (3).
Genome position (GRCh38, 1-based): chr13:100,301,569, A>G. VCF-style: chr13-100301569-A-G. GRCh37 (hg19) VCF-style: chr13-100953823-A-G.
Other names: c.1097A>G, p.Asn366Ser (NM_001127692.3, NM_001352607.2); c.1175A>G, p.Asn392Ser (NM_001178004.2, NM_001352605.2, NM_001352609.2); c.230A>G, p.Asn77Ser (NM_001352610.2, NM_001352611.2); c.1066-1355A>G (NM_001352606.2); c.121-1355A>G (NM_001352612.2); c.988-1355A>G (NM_001352608.2); short protein forms N366S, N392S, N77S.
Identifiers: ClinVar variation 880843 (VCV000880843.8), dbSNP rs202015762, ClinGen allele CA7033522.

ClinVar aggregate classification (germline): Uncertain significance. Review status: criteria provided, multiple submitters, no conflicts (2 of 4 stars). 2 submissions from 2 submitters: Uncertain significance (2). Last evaluated 2022-02-19.

Conditions:
Propionic acidemia (PROP). Also called: GLYCINEMIA, KETOTIC; HYPERGLYCINEMIA WITH KETOACIDOSIS AND LEUKOPENIA; KETOTIC HYPERGLYCINEMIA. Identifiers: Orphanet 35, MedGen C0268579, MONDO:0011628, OMIM 606054, HP:0003571.

Allele frequency attached by ClinVar (database versions not stated): gnomAD exomes below 0.00001; ExAC 0.00001; gnomAD 0.00001; 1000 Genomes Project 30x 0.00016; 1000 Genomes Project 0.00020.
gnomAD v4.1: 5 of 1,614,120 alleles (0.00031%); highest among the groups gnomAD compares: African/African-American, 0.0013%; no homozygotes.

Submissions (2):

Labcorp Genetics (formerly Invitae), Labcorp
Classification: Uncertain significance for Propionic acidemia. Last evaluated: 2022-02-19. Review status: criteria provided, single submitter. Criteria: Invitae Variant Classification Sherloc (09022015). Collection method: clinical testing. Allele origin: germline.
Comment: This sequence change replaces asparagine, which is neutral and polar, with serine, which is neutral and polar, at codon 392 of the PCCA protein (p.Asn392Ser). This variant is present in population databases (rs202015762, gnomAD 0.0009%). This variant has not been reported in the literature in individuals affected with PCCA-related conditions. ClinVar contains an entry for this variant (Variation ID: 880843). Advanced modeling of protein sequence and biophysical properties (such as structural, functional, and spatial information, amino acid conservation, physicochemical variation, residue mobility, and thermodynamic stability) performed at Invitae indicates that this missense variant is not expected to disrupt PCCA protein function. Algorithms developed to predict the effect of sequence changes on RNA splicing suggest that this variant may create or strengthen a splice site. In summary, the available evidence is currently insufficient to determine the role of this variant in disease. Therefore, it has been classified as a Variant of Uncertain Significance.

Illumina Laboratory Services, Illumina
Classification: Uncertain significance for Propionic acidemia. Last evaluated: 2018-01-13. Review status: criteria provided, single submitter. Criteria: ICSL Variant Classification Criteria 13 December 2019. Collection method: clinical testing. Allele origin: germline.